The following is an entry in ClinVar:

ClinVar aggregate classification (germline): Uncertain significance (1 of 4 stars; one submission).

Submission:

Labcorp Genetics (formerly Invitae), Labcorp
Classification: Uncertain significance. Last evaluated: 2023-10-13. Review status: criteria provided, single submitter. Criteria: Invitae Variant Classification Sherloc (09022015). Collection method: clinical testing. Allele origin: germline.
Comment: This sequence change replaces glutamine, which is neutral and polar, with histidine, which is basic and polar, at codon 1482 of the POLR1A protein (p.Gln1482His). This variant is not present in population databases (gnomAD no frequency). This variant has not been reported in the literature in individuals affected with POLR1A-related conditions. ClinVar contains an entry for this variant (Variation ID: 1525646). Advanced modeling of protein sequence and biophysical properties (such as structural, functional, and spatial information, amino acid conservation, physicochemical variation, residue mobility, and thermodynamic stability) performed at Invitae indicates that this missense variant is not expected to disrupt POLR1A protein function. In summary, the available evidence is currently insufficient to determine the role of this variant in disease. Therefore, it has been classified as a Variant of Uncertain Significance.

NM_015425.6(POLR1A):c.4446G>T (p.Gln1482His)

Gene: POLR1A (RNA polymerase I subunit A; minus strand). Cytogenetic location: 2p11.2.
Variant type: single nucleotide variant.
Coding change: c.4446G>T on transcript NM_015425.6 (MANE Select); coding-DNA position 4446, G replaced by T.
Protein change: p.Gln1482His; replaces glutamine 1482 with histidine.
Molecular consequence: missense variant.
Genome position (GRCh38, 1-based): chr2:86,031,462, C>A on the plus strand (G>T on the coding strand, the complement: POLR1A is on the minus strand). VCF-style: chr2-86031462-C-A. GRCh37 (hg19) VCF-style: chr2-86258585-C-A.
Other names: short protein forms Q1482H.
Identifiers: ClinVar variation 1525646 (VCV001525646.8), dbSNP rs2104380505, ClinGen allele CA347546565.